The following is an entry in ClinVar:

NM_001164508.2(NEB):c.19284C>T (p.His6428=)

Gene: NEB (nebulin; minus strand). Cytogenetic location: 2q23.3.
Variant type: single nucleotide variant.
Coding change: c.19284C>T on transcript NM_001164508.2 (MANE Select); coding-DNA position 19284, C replaced by T.
Protein change: p.His6428=; no amino-acid change (histidine 6428 retained).
Molecular consequence: synonymous variant.
Genome position (GRCh38, 1-based): chr2:151,560,622, G>A on the plus strand (C>T on the coding strand, the complement: NEB is on the minus strand). VCF-style: chr2-151560622-G-A. GRCh37 (hg19) VCF-style: chr2-152417136-G-A.
Other names: c.19284C>T, p.His6428= (NM_001164507.2, NM_001271208.2); c.14181C>T, p.His4727= (NM_004543.5).
Identifiers: ClinVar variation 511061 (VCV000511061.12), dbSNP rs201005449, ClinGen allele CA1907705.

ClinVar aggregate classification (germline): Likely benign. Review status: criteria provided, multiple submitters, no conflicts (2 of 4 stars). 2 submissions from 2 submitters: Likely benign (2). Last evaluated 2026-01-18.

Conditions:
Nemaline myopathy 2 (NEM2). Also called: Nemaline myopathy 2, autosomal recessive. Identifiers: MedGen C1850569, MONDO:0009725, OMIM 256030.

Allele frequency attached by ClinVar (database versions not stated): ESP Exome Variant Server 0.00016; TOPMed 0.00043; gnomAD 0.00051 and 0.00056; 1000 Genomes Project 0.00060; 1000 Genomes Project 30x 0.00078.
gnomAD v4.1: 130 of 1,612,406 alleles (0.0081%); highest among the groups gnomAD compares: African/African-American, 0.15%; 1 homozygote.

Submissions (2):

Labcorp Genetics (formerly Invitae), Labcorp
Classification: Likely benign for Nemaline myopathy 2. Last evaluated: 2026-01-18. Review status: criteria provided, single submitter. Criteria: Invitae Variant Classification Sherloc (09022015). Collection method: clinical testing. Allele origin: germline.

GeneDx
Classification: Likely benign. Last evaluated: 2017-07-27. Review status: criteria provided, single submitter. Criteria: GeneDx Variant Classification (06012015). Collection method: clinical testing. Allele origin: germline. Affected: yes.
Comment: This variant is considered likely benign or benign based on one or more of the following criteria: it is a conservative change, it occurs at a poorly conserved position in the protein, it is predicted to be benign by multiple in silico algorithms, and/or has population frequency not consistent with disease.